The following is an entry in ClinVar:

NM_206933.4(USH2A):c.10350dup (p.Ile3451fs)

Gene: USH2A (usherin; minus strand). Cytogenetic location: 1q41.
Variant type: Duplication.
Coding change: c.10350dup on transcript NM_206933.4 (MANE Select); coding-DNA position 10350, one base duplicated (C; older notation c.10350dupC).
Protein change: p.Ile3451fs; shifts the reading frame from isoleucine 3451.
Molecular consequence: frameshift variant.
Genome position (GRCh38, 1-based): chr1:215,786,707, G duplicated on the plus strand (C on the coding strand, the reverse complement: USH2A is on the minus strand); the first of 2 consecutive G bases (chr1:215,786,707-215,786,708); duplicating either gives the same sequence. VCF-style (leftmost placement, unchanged base first): chr1-215786706-T-TG. GRCh37 (hg19) VCF-style: chr1-215960048-T-TG.
Other names: short protein forms I3451fs.
Identifiers: ClinVar variation 1454497 (VCV001454497.6), dbSNP rs2102766834, ClinGen allele CA2573131570.

ClinVar aggregate classification (germline): Pathogenic (1 of 4 stars; one submission).

Submission:

Labcorp Genetics (formerly Invitae), Labcorp
Classification: Pathogenic. Last evaluated: 2021-03-24. Review status: criteria provided, single submitter. Criteria: Invitae Variant Classification Sherloc (09022015). Collection method: clinical testing. Allele origin: germline.
Comment: This variant is not present in population databases (ExAC no frequency). This variant has not been reported in the literature in individuals with USH2A-related conditions. For these reasons, this variant has been classified as Pathogenic. This sequence change creates a premature translational stop signal (p.Ile3451Hisfs*23) in the USH2A gene. It is expected to result in an absent or disrupted protein product. Loss-of-function variants in USH2A are known to be pathogenic (PMID: 10729113, 10909849, 20507924, 25649381).

Literature cited by the submitters: PubMed 10729113; PubMed 10909849; PubMed 20507924; PubMed 25649381.